The following is an entry in ClinVar:

ClinVar aggregate classification (germline): Conflicting classifications of pathogenicity. Review status: criteria provided, conflicting classifications (1 of 4 stars). 3 submissions from 3 submitters: Uncertain significance (2); Likely benign (1). Last evaluated 2025-10-14.

Conditions:
Inborn genetic diseases. Identifiers: MedGen C0950123, MeSH D030342.

Allele frequency attached by ClinVar (database versions not stated): ExAC 0.00001; gnomAD 0.00001; gnomAD exomes 0.00001.
gnomAD v4.1: 15 of 1,613,370 alleles (0.00093%); highest among the groups gnomAD compares: Admixed American, 0.0017%; no homozygotes.

Submissions (3):

Labcorp Genetics (formerly Invitae), Labcorp
Classification: Likely benign. Last evaluated: 2025-10-14. Review status: criteria provided, single submitter. Criteria: Invitae Variant Classification Sherloc (09022015). Collection method: clinical testing. Allele origin: germline.

Ambry Genetics
Classification: Uncertain significance for Inborn genetic diseases. Last evaluated: 2023-08-14. Review status: criteria provided, single submitter. Criteria: Ambry Variant Classification Scheme 2023. Collection method: clinical testing. Allele origin: germline.

GeneDx
Classification: Uncertain significance. Last evaluated: 2021-06-18. Review status: criteria provided, single submitter. Criteria: GeneDx Variant Classification Process June 2021. Collection method: clinical testing. Allele origin: germline. Affected: yes.
Comment: Has not been previously published as pathogenic or benign to our knowledge; Not observed at significant frequency in large population cohorts (Lek et al., 2016); In silico analysis supports that this missense variant has a deleterious effect on protein structure/function; This variant is associated with the following publications: (PMID: 27535533)

NM_001854.4(COL11A1):c.3401C>T (p.Pro1134Leu)

Gene: COL11A1 (collagen type XI alpha 1 chain; minus strand). Cytogenetic location: 1p21.1.
Variant type: single nucleotide variant.
Coding change: c.3401C>T on transcript NM_001854.4 (MANE Select); coding-DNA position 3401, C replaced by T.
Protein change: p.Pro1134Leu; replaces proline 1134 with leucine.
Molecular consequence: missense variant. On other transcripts: non-coding transcript variant (1).
Genome position (GRCh38, 1-based): chr1:102,939,072, G>A on the plus strand (C>T on the coding strand, the complement: COL11A1 is on the minus strand). VCF-style: chr1-102939072-G-A. GRCh37 (hg19) VCF-style: chr1-103404628-G-A.
Other names: c.3284C>T, p.Pro1095Leu (NM_001190709.2); c.3437C>T, p.Pro1146Leu (NM_080629.3); c.3053C>T, p.Pro1018Leu (NM_080630.4); short protein forms P1018L, P1095L, P1134L, P1146L.
Identifiers: ClinVar variation 1328871 (VCV001328871.9), dbSNP rs764478054, ClinGen allele CA974027.